The following is an entry in ClinVar:

NM_004360.5(CDH1):c.2439+5G>A

Gene: CDH1 (cadherin 1; plus strand). Cytogenetic location: 16q22.1.
Variant type: single nucleotide variant.
Coding change: c.2439+5G>A on transcript NM_004360.5 (MANE Select); 5 bases into the intron after coding-DNA position 2439, G replaced by A.
Molecular consequence: intron variant.
Genome position (GRCh38, 1-based): chr16:68,829,802, G>A. VCF-style: chr16-68829802-G-A. GRCh37 (hg19) VCF-style: chr16-68863705-G-A.
Other names: c.891+5G>A (NM_001317185.2); c.474+5G>A (NM_001317186.2); c.2256+5G>A (NM_001317184.2).
Identifiers: ClinVar variation 1791265 (VCV001791265.2), dbSNP rs2152142491, ClinGen allele CA2580091849.

ClinVar aggregate classification (germline): Uncertain significance (1 of 4 stars; one submission).

Conditions:
Hereditary cancer-predisposing syndrome. Also called: Hereditary Cancer Syndrome; Hereditary neoplastic syndrome; Tumor predisposition; Neoplastic Syndromes, Hereditary. Identifiers: Orphanet 140162, MedGen C0027672, MeSH D009386, MONDO:0015356.

Allele frequency attached by ClinVar (database versions not stated): gnomAD exomes below 0.00001.
gnomAD v4.1: 3 of 1,613,760 alleles (0.00019%); highest among the groups gnomAD compares: Non-Finnish European, 0.00025%; no homozygotes.

Submission:

Ambry Genetics
Classification: Uncertain significance for Hereditary cancer-predisposing syndrome. Last evaluated: 2019-12-03. Review status: criteria provided, single submitter. Criteria: Ambry Variant Classification Scheme 2023. Collection method: clinical testing. Allele origin: germline.
Comment: The c.2439+5G>A intronic variant results from a G to A substitution 5 nucleotides after coding exon 15 in the CDH1 gene. This nucleotide position is well conserved in available vertebrate species. In silico splice site analysis predicts that this alteration may weaken the native splice donor site; however direct evidence is insufficient at this time (Ambry internal data). Since supporting evidence is limited at this time, the clinical significance of this alteration remains unclear.